The following is an entry in ClinVar:

ClinVar aggregate classification (germline): Conflicting classifications of pathogenicity. Review status: criteria provided, conflicting classifications (1 of 4 stars). 4 submissions from 4 submitters: Uncertain significance (1); Benign (1); Likely benign (1). 1 of the submissions does not count toward it. Last evaluated 2025-08-25.

Conditions:
KRT9-related disorder. Also called: KRT9-related condition.
Palmoplantar keratoderma, epidermolytic. Also called: Localized epidermolytic hyperkeratosis. Identifiers: MedGen C1721006, MONDO:0968949, HP:0007559.

Allele frequency attached by ClinVar (database versions not stated): ExAC 0.00115; gnomAD exomes 0.00134; ESP Exome Variant Server 0.00146; TOPMed 0.00147.
gnomAD v4.1: 3,780 of 1,614,030 alleles (0.23%); highest among the groups gnomAD compares: Non-Finnish European, 0.27%; 9 homozygotes.

Submissions (4):

Labcorp Genetics (formerly Invitae), Labcorp
Classification: Benign. Last evaluated: 2025-08-25. Review status: criteria provided, single submitter. Criteria: Invitae Variant Classification Sherloc (09022015). Collection method: clinical testing. Allele origin: germline.

Blueprint Genetics
Classification: Likely benign. Last evaluated: 2024-11-19. Review status: criteria provided, single submitter. Criteria: ACMG Guidelines, 2015. Collection method: clinical testing. Allele origin: germline.

Illumina Laboratory Services, Illumina
Classification: Uncertain significance for Epidermolytic palmoplantar keratoderma, 1. Last evaluated: 2017-04-27. Review status: criteria provided, single submitter. Criteria: ICSL Variant Classification Criteria 13 December 2019. Collection method: clinical testing. Allele origin: germline.

PreventionGenetics, part of Exact Sciences
Classification: Benign for KRT9-related condition. Last evaluated: 2020-03-03. Review status: no assertion criteria provided. Collection method: clinical testing. Allele origin: germline. Not counted in ClinVar's aggregate classification.
Comment: This variant is classified as benign based on ACMG/AMP sequence variant interpretation guidelines (Richards et al. 2015 PMID: 25741868, with internal and published modifications).

NM_000226.4(KRT9):c.1120C>T (p.Arg374Trp)

Gene: KRT9 (keratin 9; minus strand). Cytogenetic location: 17q21.2.
Variant type: single nucleotide variant.
Coding change: c.1120C>T on transcript NM_000226.4 (MANE Select); coding-DNA position 1120, C replaced by T.
Protein change: p.Arg374Trp; replaces arginine 374 with tryptophan.
Molecular consequence: missense variant.
Genome position (GRCh38, 1-based): chr17:41,568,558, G>A on the plus strand (C>T on the coding strand, the complement: KRT9 is on the minus strand). VCF-style: chr17-41568558-G-A. GRCh37 (hg19) VCF-style: chr17-39724810-G-A.
Other names: short protein forms R374W.
Identifiers: ClinVar variation 891760 (VCV000891760.15), dbSNP rs116216460, ClinGen allele CA8562031.
Genomic context (GRCh38, chr17:41,568,558, plus strand): 5'-AACTACCAACCTTGCTGAGCTGAGACTGCAGCTCAATCTCCAACTCCTGGACACCGTGCC[G>A]GAGCTGGGTCACCTCCTTGGCACTGGACTGCACCTCCTGACCACTACTGGATACCTCATG-3'
Protein context (NP_000217.2, residues 364-384): QSSAKEVTQL[Arg374Trp]HGVQELEIEL